The following is an entry in ClinVar:

NC_000003.11:g.(?_4494540)_(4562798_?)dup

Genes: ITPR1 (inositol 1,4,5-trisphosphate receptor type 1; plus strand), SUMF1 (sulfatase modifying factor 1; minus strand). Cytogenetic location: 3p26.1.
Variant type: Duplication.
Identifiers: ClinVar variation 2424375 (VCV002424375.4).

ClinVar aggregate classification (germline): Uncertain significance. Review status: criteria provided, single submitter (1 of 4 stars). 2 submissions from 1 submitter: Uncertain significance (1). 1 of the submissions does not count toward it. Last evaluated 2022-09-23.

Conditions:
Multiple sulfatase deficiency (MSD). Also called: Mucosulfatidosis; Multiple Sulfatase Deficiency Disease; Sulfatidosis, Juvenile, Austin Type. Identifiers: Orphanet 585, MedGen C0268263, MONDO:0010088, OMIM 272200.

Submissions (2):

Labcorp Genetics (formerly Invitae), Labcorp
Classification: Uncertain significance for Multiple sulfatase deficiency. Last evaluated: 2022-09-23. Review status: criteria provided, single submitter. Criteria: Invitae Variant Classification Sherloc (09022015). Collection method: clinical testing. Allele origin: germline.
Comment: Experimental studies and prediction algorithms are not available or were not evaluated, and the functional significance of this variant is currently unknown. This variant has not been reported in the literature in individuals affected with SUMF1-related conditions. This variant results in a copy number gain of the genomic region encompassing exon(s) 1-2 of the SUMF1 gene. This region includes the initiator codon of the gene. This copy number gain extends beyond the assayed region for this gene and therefore may encompass additional genes. As the precise location of this event is unknown, it may be in tandem or it may be located elsewhere in the genome. In summary, the available evidence is currently insufficient to determine the role of this variant in disease. Therefore, it has been classified as a Variant of Uncertain Significance.

Labcorp Genetics (formerly Invitae), Labcorp
Classification: Uncertain significance. Last evaluated: 2022-09-23. Review status: flagged submission. Criteria: Invitae Variant Classification Sherloc (09022015). Collection method: clinical testing. Allele origin: germline. Not counted in ClinVar's aggregate classification.
Comment: This variant results in a copy number gain of the genomic region encompassing exon(s) 1-4 of the ITPR1 gene. This region includes the initiator codon of the gene. This copy number gain extends beyond the assayed region for this gene and therefore may encompass additional genes. As the precise location of this event is unknown, it may be in tandem or it may be located elsewhere in the genome. This variant has not been reported in the literature in individuals affected with ITPR1-related conditions. In summary, the available evidence is currently insufficient to determine the role of this variant in disease. Therefore, it has been classified as a Variant of Uncertain Significance.
ClinVar note: Reason: This record appears to be redundant with a more recent record from the same submitter.
ClinVar note: Notes: SCV003794597 appears to be redundant with SCV003797020.